The following is an entry in ClinVar:

ClinVar aggregate classification (germline): Uncertain significance (1 of 4 stars; one submission).

Submission:

Labcorp Genetics (formerly Invitae), Labcorp
Classification: Uncertain significance. Last evaluated: 2022-05-29. Review status: criteria provided, single submitter. Criteria: Invitae Variant Classification Sherloc (09022015). Collection method: clinical testing. Allele origin: germline.
Comment: This sequence change replaces glycine, which is neutral and non-polar, with arginine, which is basic and polar, at codon 636 of the MAK protein (p.Gly636Arg). Information on the frequency of this variant in the gnomAD database is not available, as this variant may be reported differently in the database. This variant has not been reported in the literature in individuals affected with MAK-related conditions. ClinVar contains an entry for this variant (Variation ID: 1035415). Experimental studies and prediction algorithms are not available or were not evaluated, and the functional significance of this variant is currently unknown. In summary, the available evidence is currently insufficient to determine the role of this variant in disease. Therefore, it has been classified as a Variant of Uncertain Significance.

NM_001242957.3(MAK):c.1905_1906inv (p.Gly636Arg)

Gene: MAK (male germ cell associated kinase; minus strand). Cytogenetic location: 6p24.2.
Variant type: Inversion.
Coding change: c.1905_1906inv on transcript NM_001242957.3 (MANE Select).
Protein change: p.Gly636Arg; replaces glycine 636 with arginine.
Molecular consequence: missense variant. On other transcripts: non-coding transcript variant (2).
Genome position: GRCh38 VCF-style: chr6-10764493-CA-TG. GRCh37 (hg19) VCF-style: chr6-10764726-CA-TG.
Other names: c.1710_1711inv, p.Gly571Arg (NM_001242385.2); c.1608_1609inv, p.Gly537Arg (NM_001377262.1); c.1830_1831inv, p.Gly611Arg (NM_005906.6); short protein forms G636R, G537R, G571R, G611R.
Identifiers: ClinVar variation 1035415 (VCV001035415.4), ClinGen allele CA2499218017.
Genomic context (GRCh38, chr6:10,764,493, plus strand): 5'-GGTTTCACACCATAGACTCCTACCGGTGGCCTCCATACTTGGCCACCCAGTCTGTCCTCC[CA>TG]TGCACTGAGGGAATGGGCTGTGCACGGTTCACAATATTTAGGTTTTTTGCTGTAGGATTA-3'
Protein context (NP_001229886.1, residues 626-646): NRAQPIPSVH[Gly636Arg]RTDWVAKYGG